The following is an entry in ClinVar:

ClinVar aggregate classification (germline): Uncertain significance (1 of 4 stars; one submission).

Allele frequency attached by ClinVar (database versions not stated): gnomAD 0.00001.
gnomAD v4.1: 1 of 1,614,032 alleles (0.000062%); highest among the groups gnomAD compares: Admixed American, 0.0017%; no homozygotes.

Submission:

Labcorp Genetics (formerly Invitae), Labcorp
Classification: Uncertain significance. Last evaluated: 2022-08-05. Review status: criteria provided, single submitter. Criteria: Invitae Variant Classification Sherloc (09022015). Collection method: clinical testing. Allele origin: germline.
Comment: In summary, the available evidence is currently insufficient to determine the role of this variant in disease. Therefore, it has been classified as a Variant of Uncertain Significance. Algorithms developed to predict the effect of missense changes on protein structure and function are either unavailable or do not agree on the potential impact of this missense change (SIFT: "Deleterious"; PolyPhen-2: "Probably Damaging"; Align-GVGD: "Class C0"). This variant has not been reported in the literature in individuals affected with DNASE1L3-related conditions. This variant is not present in population databases (gnomAD no frequency). This sequence change replaces phenylalanine, which is neutral and non-polar, with serine, which is neutral and polar, at codon 26 of the DNASE1L3 protein (p.Phe26Ser).

NM_004944.4(DNASE1L3):c.77T>C (p.Phe26Ser)

Gene: DNASE1L3 (deoxyribonuclease 1L3; minus strand). Cytogenetic location: 3p14.3.
Variant type: single nucleotide variant.
Coding change: c.77T>C on transcript NM_004944.4 (MANE Select); coding-DNA position 77, T replaced by C.
Protein change: p.Phe26Ser; replaces phenylalanine 26 with serine.
Molecular consequence: missense variant.
Genome position (GRCh38, 1-based): chr3:58,210,830, A>G on the plus strand (T>C on the coding strand, the complement: DNASE1L3 is on the minus strand). VCF-style: chr3-58210830-A-G. GRCh37 (hg19) VCF-style: chr3-58196557-A-G.
Other names: c.77T>C, p.Phe26Ser (NM_001256560.2); short protein forms F26S.
Identifiers: ClinVar variation 1715169 (VCV001715169.5), dbSNP rs2097407283, ClinGen allele CA353341862.